The following is an entry in ClinVar:

NM_018026.4(PACS1):c.1299A>T (p.Glu433Asp)

Gene: PACS1 (phosphofurin acidic cluster sorting protein 1; plus strand). Cytogenetic location: 11q13.2.
Variant type: single nucleotide variant.
Coding change: c.1299A>T on transcript NM_018026.4 (MANE Select); coding-DNA position 1299, A replaced by T.
Protein change: p.Glu433Asp; replaces glutamic acid 433 with aspartic acid.
Molecular consequence: missense variant.
Genome position (GRCh38, 1-based): chr11:66,227,509, A>T. VCF-style: chr11-66227509-A-T. GRCh37 (hg19) VCF-style: chr11-65994980-A-T.
Other names: short protein forms E433D.
Identifiers: ClinVar variation 2070361 (VCV002070361.4), dbSNP rs2495573640, ClinGen allele CA381363630.

ClinVar aggregate classification (germline): Uncertain significance (1 of 4 stars; one submission).

Conditions:
Schuurs-Hoeijmakers syndrome. Also called: PACS1-Related Neurodevelopmental Disorder. Identifiers: Orphanet 329224, MedGen C3554343, MONDO:0014006, OMIM 615009.

Submission:

Labcorp Genetics (formerly Invitae), Labcorp
Classification: Uncertain significance for Schuurs-Hoeijmakers syndrome. Last evaluated: 2022-05-30. Review status: criteria provided, single submitter. Criteria: Invitae Variant Classification Sherloc (09022015). Collection method: clinical testing. Allele origin: germline.
Comment: This variant has not been reported in the literature in individuals affected with PACS1-related conditions. In summary, the available evidence is currently insufficient to determine the role of this variant in disease. Therefore, it has been classified as a Variant of Uncertain Significance. Algorithms developed to predict the effect of missense changes on protein structure and function output the following: SIFT: "Tolerated"; PolyPhen-2: "Benign"; Align-GVGD: "Class C0". The aspartic acid amino acid residue is found in multiple mammalian species, which suggests that this missense change does not adversely affect protein function. This variant is not present in population databases (gnomAD no frequency). This sequence change replaces glutamic acid, which is acidic and polar, with aspartic acid, which is acidic and polar, at codon 433 of the PACS1 protein (p.Glu433Asp).